The following is an entry in ClinVar:

ClinVar aggregate classification (germline): Conflicting classifications of pathogenicity. Review status: criteria provided, conflicting classifications (1 of 4 stars). 4 submissions from 4 submitters: Uncertain significance (1); Likely benign (3). Last evaluated 2025-09-09.

Conditions:
Long QT syndrome (LQTS). Identifiers: MedGen C0023976, MeSH D008133, MONDO:0002442. Disease mechanism: loss of function. Inheritance: Various modes of inheritance.
Cardiac arrhythmia. Also called: Arrhythmia; Cardiac rhythm disease. Identifiers: MedGen C0003811, MONDO:0007263, HP:0011675.

Allele frequency attached by ClinVar (database versions not stated): TOPMed 0.00002.
gnomAD v4.1: 125 of 1,614,084 alleles (0.0077%); highest among the groups gnomAD compares: Non-Finnish European, 0.01%; no homozygotes.

Submissions (4):

Labcorp Genetics (formerly Invitae), Labcorp
Classification: Likely benign for Long QT syndrome. Last evaluated: 2025-09-09. Review status: criteria provided, single submitter. Criteria: Invitae Variant Classification Sherloc (09022015). Collection method: clinical testing. Allele origin: germline.

GeneDx
Classification: Likely benign. Last evaluated: 2025-01-06. Review status: criteria provided, single submitter. Criteria: GeneDx Variant Classification Process June 2021. Collection method: clinical testing. Allele origin: germline. Affected: yes.
Comment: See Variant Classification Assertion Criteria.

Color Diagnostics, LLC DBA Color Health
Classification: Likely benign for Cardiac arrhythmia. Last evaluated: 2024-05-24. Review status: criteria provided, single submitter. Criteria: ACMG Guidelines, 2015. Collection method: clinical testing. Allele origin: germline.

Laboratory for Molecular Medicine, Mass General Brigham Personalized Medicine
Classification: Uncertain significance. Last evaluated: 2013-09-05. Review status: criteria provided, single submitter. Criteria: LMM Criteria. Collection method: clinical testing. Allele origin: germline. Observed: 1 variant allele.
Comment: Variant classified as Uncertain Significance - Favor Benign. The c.1394-8C>A var iant in KCNQ1 has not been reported in individuals with hearing loss or in large population studies. This variant is located in the 3' splice region but not in the invariant ?1/-2 positions. Computational tools do not suggest an impact to s plicing; however, this information is not predictive enough to rule out pathogen icity. In summary, the clinical significance of this variant cannot be determine d with certainty; however, we would lean towards a more likely benign role based on a lack of splicing impact predicted by computational tools.

NM_000218.3(KCNQ1):c.1394-8C>A

Genes: KCNQ1 (potassium voltage-gated channel subfamily Q member 1; plus strand), KCNQ1OT1 (KCNQ1 opposite strand/antisense transcript 1; minus strand). Cytogenetic location: 11p15.5.
Variant type: single nucleotide variant.
Coding change: c.1394-8C>A on transcript NM_000218.3 (MANE Select); 8 bases into the intron before coding-DNA position 1394, C replaced by A.
Molecular consequence: intron variant.
Genome position (GRCh38, 1-based): chr11:2,661,953, C>A. VCF-style: chr11-2661953-C-A. GRCh37 (hg19) VCF-style: chr11-2683183-C-A.
Other names: c.1124-8C>A (NM_001406837.1); c.1298-8C>A (NM_001406836.1); c.854-8C>A (NM_001406838.1); c.1013-8C>A (NM_181798.2).
Identifiers: ClinVar variation 163742 (VCV000163742.14), dbSNP rs371488379, ClinGen allele CA005740.